The following is an entry in ClinVar:

NM_025179.4(PLXNA2):c.3801T>C (p.Asn1267=)

Gene: PLXNA2 (plexin A2; minus strand). Cytogenetic location: 1q32.2.
Variant type: single nucleotide variant.
Coding change: c.3801T>C on transcript NM_025179.4 (MANE Select); coding-DNA position 3801, T replaced by C.
Protein change: p.Asn1267=; no amino-acid change (asparagine 1267 retained).
Molecular consequence: synonymous variant.
Genome position (GRCh38, 1-based): chr1:208,044,581, A>G on the plus strand (T>C on the coding strand, the complement: PLXNA2 is on the minus strand). VCF-style: chr1-208044581-A-G. GRCh37 (hg19) VCF-style: chr1-208217926-A-G.
Identifiers: ClinVar variation 3355796 (VCV003355796.1).

ClinVar aggregate classification (germline): Likely benign (0 of 4 stars; one submission).

Conditions:
PLXNA2-related disorder. Also called: PLXNA2-related condition.

gnomAD v4.1: 8 of 1,614,048 alleles (0.0005%); highest among the groups gnomAD compares: African/African-American, 0.0093%; no homozygotes.

Submission:

PreventionGenetics, part of Exact Sciences
Classification: Likely benign for PLXNA2-related condition. Last evaluated: 2023-09-29. Review status: no assertion criteria provided. Collection method: clinical testing. Allele origin: germline.
Comment: This variant is classified as likely benign based on ACMG/AMP sequence variant interpretation guidelines (Richards et al. 2015 PMID: 25741868, with internal and published modifications).